The following is an entry in ClinVar:

NM_016006.6(ABHD5):c.905G>T (p.Gly302Val)

Gene: ABHD5 (abhydrolase domain containing 5, lysophosphatidic acid acyltransferase; plus strand). Cytogenetic location: 3p21.33.
Variant type: single nucleotide variant.
Coding change: c.905G>T on transcript NM_016006.6 (MANE Select); coding-DNA position 905, G replaced by T.
Protein change: p.Gly302Val; replaces glycine 302 with valine.
Molecular consequence: missense variant. On other transcripts: non-coding transcript variant (1), intron variant (1).
Genome position (GRCh38, 1-based): chr3:43,717,802, G>T. VCF-style: chr3-43717802-G-T. GRCh37 (hg19) VCF-style: chr3-43759294-G-T.
Other names: c.905G>T, p.Gly302Val (NM_001355186.2); c.782G>T, p.Gly261Val (NM_001365649.1); c.774-641G>T (NM_001365650.1); short protein forms G261V, G302V.
Identifiers: ClinVar variation 2097579 (VCV002097579.2), dbSNP rs1238436196, ClinGen allele CA352347710.

ClinVar aggregate classification (germline): Uncertain significance (1 of 4 stars; one submission).

Allele frequency attached by ClinVar (database versions not stated): gnomAD exomes below 0.00001.
gnomAD v4.1: 2 of 1,614,188 alleles (0.00012%); highest among the groups gnomAD compares: Admixed American, 0.0033%; no homozygotes.

Submission:

Labcorp Genetics (formerly Invitae), Labcorp
Classification: Uncertain significance. Last evaluated: 2022-02-14. Review status: criteria provided, single submitter. Criteria: Invitae Variant Classification Sherloc (09022015). Collection method: clinical testing. Allele origin: germline.
Comment: This sequence change replaces glycine, which is neutral and non-polar, with valine, which is neutral and non-polar, at codon 302 of the ABHD5 protein (p.Gly302Val). This variant is present in population databases (no rsID available, gnomAD 0.003%). This variant has not been reported in the literature in individuals affected with ABHD5-related conditions. Algorithms developed to predict the effect of missense changes on protein structure and function (SIFT, PolyPhen-2, Align-GVGD) all suggest that this variant is likely to be tolerated. In summary, the available evidence is currently insufficient to determine the role of this variant in disease. Therefore, it has been classified as a Variant of Uncertain Significance.